The following is an entry in ClinVar:

NM_000053.4(ATP7B):c.4318C>A (p.Arg1440=)

Gene: ATP7B (ATPase copper transporting beta; minus strand). Cytogenetic location: 13q14.3.
Variant type: single nucleotide variant.
Coding change: c.4318C>A on transcript NM_000053.4 (MANE Select); coding-DNA position 4318, C replaced by A.
Protein change: p.Arg1440=; no amino-acid change (arginine 1440 retained).
Molecular consequence: synonymous variant.
Genome position (GRCh38, 1-based): chr13:51,934,836, G>T on the plus strand (C>A on the coding strand, the complement: ATP7B is on the minus strand). VCF-style: chr13-51934836-G-T. GRCh37 (hg19) VCF-style: chr13-52508972-G-T.
Other names: c.3697C>A, p.Arg1233= (NM_001005918.3); c.3985C>A, p.Arg1329= (NM_001243182.2); c.4084C>A, p.Arg1362= (NM_001330578.2, NM_001406527.1, NM_001406528.1); c.4066C>A, p.Arg1356= (NM_001330579.2, NM_001406531.1, NM_001406532.1); c.4318C>A, p.Arg1440= (NM_001406511.1, NM_001406512.1); c.4312C>A, p.Arg1438= (NM_001406513.1); c.4285C>A, p.Arg1429= (NM_001406514.1); c.4264C>A, p.Arg1422= (NM_001406515.1, NM_001406516.1); and 21 more.
Identifiers: ClinVar variation 2135463 (VCV002135463.5), dbSNP rs543334965, ClinGen allele CA250071497.

ClinVar aggregate classification (germline): Likely benign. Review status: criteria provided, multiple submitters, no conflicts (2 of 4 stars). 2 submissions from 2 submitters: Likely benign (2). Last evaluated 2023-05-08.

Conditions:
Wilson disease (WND). Also called: Wilson's disease. Identifiers: Orphanet 905, MedGen C0019202, MONDO:0010200, OMIM 277900. Disease mechanism: loss of function.

Submissions (2):

All of Us Research Program, National Institutes of Health
Classification: Likely benign for Wilson disease. Last evaluated: 2023-05-08. Review status: criteria provided, single submitter. Criteria: ACMG Guidelines, 2015. Collection method: clinical testing. Allele origin: germline. Inheritance: Autosomal recessive inheritance. Observed: 1 variant allele, 1 heterozygote.
Comment: This study involves interpretation of variants in research participants for the purpose of population health screening. Participant phenotype was not available at the time of variant classification. Additional details can be found in publication PMID: 35346344, PMCID: PMC8962531

Labcorp Genetics (formerly Invitae), Labcorp
Classification: Likely benign for Wilson disease. Last evaluated: 2022-05-31. Review status: criteria provided, single submitter. Criteria: Invitae Variant Classification Sherloc (09022015). Collection method: clinical testing. Allele origin: germline.